The following is an entry in ClinVar:

NM_000138.5(FBN1):c.1957_1958dup (p.Asp654fs)

Gene: FBN1 (fibrillin 1; minus strand). Cytogenetic location: 15q21.1.
Variant type: Microsatellite.
Coding change: c.1957_1958dup on transcript NM_000138.5 (MANE Select); coding-DNA positions 1957 to 1958, 2 bases duplicated (GT; older notation c.1957_1958dupGT).
Protein change: p.Asp654fs; shifts the reading frame from aspartic acid 654.
Molecular consequence: frameshift variant.
Genome position (GRCh38, 1-based): chr15:48,505,027-48,505,028, AC duplicated on the plus strand (GT on the coding strand, the reverse complement: FBN1 is on the minus strand); duplicating any 2 consecutive bases within chr15:48,505,027-48,505,036 gives the same sequence; the c. name uses the placement nearest the transcript's 3' end. VCF-style (leftmost placement, unchanged base first): chr15-48505026-A-AAC. GRCh37 (hg19) VCF-style: chr15-48797223-A-AAC.
Other names: c.1957_1958dup (NM_000138.4); c.1949_1950GT[6], p.Asp654Leufs (NM_000138.4); c.1957_1958dup, p.Asp654fs (NM_001406716.1); short protein forms D654fs.
Identifiers: ClinVar variation 1325479 (VCV001325479.2), dbSNP rs886041350, ClinGen allele CA2695220773.

ClinVar aggregate classification (germline): Pathogenic (1 of 4 stars; one submission).

Conditions:
Marfan syndrome (MFS). Also called: Marfan syndrome type 1; Marfan's syndrome; FBN1-Related Marfan Syndrome; MARFAN SYNDROME, TYPE I; Marfan syndrome, classic. Identifiers: Orphanet 284963, Orphanet 558, MedGen C0024796, MONDO:0007947, OMIM 154700.

Submission:

Centre of Medical Genetics, University of Antwerp
Classification: Pathogenic for Marfan syndrome. Last evaluated: 2021-03-01. Review status: criteria provided, single submitter. Criteria: Submitter's publication. Collection method: research. Allele origin: unknown. Affected: yes.
Comment: PM2, PVS1, PP4